The following is an entry in ClinVar:

ClinVar aggregate classification (germline): Uncertain significance (1 of 4 stars; one submission).

Conditions:
Wilms tumor susceptibility.

Submission:

University of Washington Department of Laboratory Medicine, University of Washington
Classification: Uncertain significance for Wilms tumor susceptibility. Last evaluated: 2023-10-16. Review status: criteria provided, single submitter. Criteria: ACMG Guidelines, 2015. Collection method: clinical testing. Allele origin: unknown. Affected: yes.
Comment: The c.503-1G>A variant in the CTR9 gene has not been previously reported in association with disease and was absent from large population databases, including the Genome Aggregation Database. The c.503-1G>A variant alters the canonical acceptor splice site in intron 4, which is predicted to result in abnormal gene splicing. These predictions have not been tested directly. Using ACMG guidelines, this variant was classified as a variant of uncertain significance (ACMG evidence codes used: PVS1_strong, PM2_supporting).

NM_014633.5(CTR9):c.503-1G>A

Gene: CTR9 (CTR9 homolog, Paf1/RNA polymerase II complex component; plus strand). Cytogenetic location: 11p15.4.
Variant type: single nucleotide variant.
Coding change: c.503-1G>A on transcript NM_014633.5 (MANE Select); the canonical splice acceptor site of the intron before coding-DNA position 503, G replaced by A.
Molecular consequence: splice acceptor variant.
Genome position (GRCh38, 1-based): chr11:10,756,748, G>A. VCF-style: chr11-10756748-G-A. GRCh37 (hg19) VCF-style: chr11-10778295-G-A.
Other names: c.503-1G>A (NM_001346279.2, NM_014633.4).
Identifiers: ClinVar variation 3777083 (VCV003777083.1).